The following is an entry in ClinVar:

ClinVar aggregate classification (germline): Uncertain significance (1 of 4 stars; one submission).

Conditions:
Early-infantile DEE. Also called: Ohtahara syndrome; Early infantile epileptic encephalopathy with suppression bursts; Early infantile epileptic encephalopathy. Identifiers: Orphanet 1934, MedGen C0393706, MONDO:0800491.

gnomAD v4.1: 1 of 1,561,172 alleles (0.000064%); highest among the groups gnomAD compares: Non-Finnish European, 0.000087%; no homozygotes.

Submission:

Labcorp Genetics (formerly Invitae), Labcorp
Classification: Uncertain significance for Early-infantile DEE. Last evaluated: 2019-12-03. Review status: criteria provided, single submitter. Criteria: Invitae Variant Classification Sherloc (09022015). Collection method: clinical testing. Allele origin: germline.
Comment: This sequence change replaces proline with leucine at codon 66 of the ARHGEF15 protein (p.Pro66Leu). The proline residue is moderately conserved and there is a moderate physicochemical difference between proline and leucine. In summary, the available evidence is currently insufficient to determine the role of this variant in disease. Therefore, it has been classified as a Variant of Uncertain Significance. Algorithms developed to predict the effect of missense changes on protein structure and function output the following: SIFT: "Deleterious"; PolyPhen-2: "Probably Damaging"; Align-GVGD: "Class C0". The leucine amino acid residue is found in multiple mammalian species, suggesting that this missense change does not adversely affect protein function. These predictions have not been confirmed by published functional studies and their clinical significance is uncertain. This variant has not been reported in the literature in individuals with ARHGEF15-related conditions. This variant is not present in population databases (ExAC no frequency).

NM_173728.4(ARHGEF15):c.197C>T (p.Pro66Leu)

Gene: ARHGEF15 (Rho guanine nucleotide exchange factor 15; plus strand). Cytogenetic location: 17p13.1.
Variant type: single nucleotide variant.
Coding change: c.197C>T on transcript NM_173728.4 (MANE Select); coding-DNA position 197, C replaced by T.
Protein change: p.Pro66Leu; replaces proline 66 with leucine.
Molecular consequence: missense variant.
Genome position (GRCh38, 1-based): chr17:8,312,236, C>T. VCF-style: chr17-8312236-C-T. GRCh37 (hg19) VCF-style: chr17-8215554-C-T.
Other names: c.197C>T, p.Pro66Leu (NM_025014.2); short protein forms P66L.
Identifiers: ClinVar variation 844009 (VCV000844009.10), dbSNP rs1904673636, ClinGen allele CA398013710.